The following is an entry in ClinVar:

NM_000044.6(AR):c.2258G>T (p.Arg753Leu)

Gene: AR (androgen receptor; plus strand). Cytogenetic location: Xq12.
Variant type: single nucleotide variant.
Coding change: c.2258G>T on transcript NM_000044.6 (MANE Select); coding-DNA position 2258, G replaced by T.
Protein change: p.Arg753Leu; replaces arginine 753 with leucine.
Molecular consequence: missense variant.
Genome position (GRCh38, 1-based): chrX:67,717,562, G>T. VCF-style: chrX-67717562-G-T. GRCh37 (hg19) VCF-style: chrX-66937404-G-T.
Other names: c.662G>T, p.Arg221Leu (NM_001011645.3); short protein forms R753L, R221L.
Identifiers: ClinVar variation 390372 (VCV000390372.2), dbSNP rs1057523747, ClinGen allele CA16608903.

ClinVar aggregate classification (germline): Likely pathogenic (1 of 4 stars; one submission).

Submission:

GeneDx
Classification: Likely pathogenic. Last evaluated: 2016-10-19. Review status: criteria provided, single submitter. Criteria: GeneDx Variant Classification (06012015). Collection method: clinical testing. Allele origin: germline. Affected: yes.
Comment: A novel R753L variant that is likely pathogenic was identified in the AR gene. It has not been published as a pathogenic variant, nor has it been reported as a benign variant to our knowledge. The variant was not observed in approximately 6,500 individuals of European and African American ancestry in the NHLBI Exome Sequencing Project, indicating it is not a common benign variant in these populations. R753L is a non-conservative amino acid substitution, which is likely to impact secondary protein structure as these residues differ in polarity, charge, size and/or other properties. This substitution occurs at a position that is conserved across species, and in silico analysis predicts this variant is probably damaging to the protein structure/function. Missense variants in the same residue (R753Q) and in nearby residues (F748I/C, A749D, M750V/T, G751D, W752R, F755V/S/L, N757S) have been reported in the Human Gene Mutation Database in association with AR-related disorders (Stenson et al., 2014), supporting the functional importance of this region of the protein. Therefore, we consider this variant to be likely pathogenic.